The following is an entry in ClinVar:

NM_020843.4(SCAPER):c.3017G>A (p.Ser1006Asn)

Gene: SCAPER (S-phase cyclin A associated protein in the ER; minus strand). Cytogenetic location: 15q24.3.
Variant type: single nucleotide variant.
Coding change: c.3017G>A on transcript NM_020843.4 (MANE Select); coding-DNA position 3017, G replaced by A.
Protein change: p.Ser1006Asn; replaces serine 1006 with asparagine.
Molecular consequence: missense variant. On other transcripts: non-coding transcript variant (1).
Genome position (GRCh38, 1-based): chr15:76,471,273, C>T on the plus strand (G>A on the coding strand, the complement: SCAPER is on the minus strand). VCF-style: chr15-76471273-C-T. GRCh37 (hg19) VCF-style: chr15-76763614-C-T.
Other names: c.2279G>A, p.Ser760Asn (NM_001145923.2); c.3035G>A, p.Ser1012Asn (NM_001353009.2); c.2615G>A, p.Ser872Asn (NM_001353010.2, NM_001353012.2); c.2633G>A, p.Ser878Asn (NM_001353011.2); short protein forms S878N, S1006N, S1012N, S760N, S872N.
Identifiers: ClinVar variation 4997310 (VCV004997310.1).

ClinVar aggregate classification (germline): Uncertain significance (1 of 4 stars; one submission).

Conditions:
SCAPER-related disorder. Also called: SCAPER-related condition.

gnomAD v4.1: 25 of 1,612,498 alleles (0.0016%); highest among the groups gnomAD compares: Non-Finnish European, 0.0017%; no homozygotes.

Submission:

PreventionGenetics, part of Exact Sciences
Classification: Uncertain significance for SCAPER-related condition. Last evaluated: 2025-03-03. Review status: criteria provided, single submitter. Criteria: ACMG Guidelines, 2015. Collection method: clinical testing. Allele origin: germline.
Comment: The SCAPER c.3035G>A variant is predicted to result in the amino acid substitution p.Ser1012Asn. To our knowledge, this variant has not been reported in the literature. This variant is reported in 0.0080% of alleles in individuals of European (Finnish) descent in gnomAD. At this time, the clinical significance of this variant is uncertain due to the absence of conclusive functional and genetic evidence.